The following is an entry in ClinVar:

ClinVar aggregate classification (germline): Likely benign (1 of 4 stars; one submission).

gnomAD v4.1: 28 of 1,583,118 alleles (0.0018%); highest among the groups gnomAD compares: African/African-American, 0.035%; no homozygotes.

Submission:

Mayo Clinic Laboratories, Mayo Clinic
Classification: Likely benign. Last evaluated: 2025-03-21. Review status: criteria provided, single submitter. Criteria: ACMG Guidelines, 2015. Collection method: clinical testing. Allele origin: germline. Observed: 1 variant allele.
Comment: BP5, BP7

NM_001303.4(COX10):c.*5A>G

Gene: COX10 (cytochrome c oxidase assembly factor heme A:farnesyltransferase COX10; plus strand). Cytogenetic location: 17p12.
Variant type: single nucleotide variant.
Coding change: c.*5A>G on transcript NM_001303.4 (MANE Select); 5 bases downstream of the stop codon, A replaced by G.
Molecular consequence: 3 prime UTR variant.
Genome position (GRCh38, 1-based): chr17:14,207,218, A>G. VCF-style: chr17-14207218-A-G. GRCh37 (hg19) VCF-style: chr17-14110535-A-G.
Identifiers: ClinVar variation 4684193 (VCV004684193.1).
Genomic context (GRCh38, chr17:14,207,218, plus strand): 5'-TGCTCACCTGCAAGCGGCCGAGCGGAGGCGGGGACGCAGGGCCCCCTCCCAGCTGAGAGC[A>G]CTGGGACGCCCACCGCCCCTTTCCCTCCGCTGCCAGGCGAGCATGTTGTGGTAATTCTGG-3'